The following is an entry in ClinVar:

NM_201596.3(CACNB2):c.716T>C (p.Ile239Thr)

Gene: CACNB2 (calcium voltage-gated channel auxiliary subunit beta 2; plus strand). Cytogenetic location: 10p12.31.
Variant type: single nucleotide variant.
Coding change: c.716T>C on transcript NM_201596.3 (MANE Select); coding-DNA position 716, T replaced by C.
Protein change: p.Ile239Thr; replaces isoleucine 239 with threonine.
Molecular consequence: missense variant. On other transcripts: intron variant (6).
Genome position (GRCh38, 1-based): chr10:18,514,281, T>C. VCF-style: chr10-18514281-T-C. GRCh37 (hg19) VCF-style: chr10-18803210-T-C.
Other names: c.551T>C, p.Ile184Thr (NM_000724.4); c.572T>C, p.Ile191Thr (NM_201570.3); c.632T>C, p.Ile211Thr (NM_201571.4); c.554T>C, p.Ile185Thr (NM_201590.3); c.587-230T>C (NM_001167945.2); c.587-699T>C (NM_201572.4); c.671-230T>C (NM_201593.3); c.671-699T>C (NM_201597.3); and 2 more; short protein forms I191T, I239T, I185T, I184T, I211T.
Identifiers: ClinVar variation 3262861 (VCV003262861.2).
Genomic context (GRCh38, chr10:18,514,281, plus strand): 5'-ATTGTCTGTATATAGCTATAGACATAGATGCTACTGGCTTAGATGCAGAAGAAAATGATA[T>C]TCCAGCAAACCACCGCTCCCCTAAACCCAGTGCAAACAGTGTAACGTCACCCCACTCCAA-3'
Protein context (NP_963890.2, residues 229-249): ATGLDAEEND[Ile239Thr]PANHRSPKPS

ClinVar aggregate classification (germline): Uncertain significance. Review status: criteria provided, multiple submitters, no conflicts (2 of 4 stars). 2 submissions from 2 submitters: Uncertain significance (2). Last evaluated 2025-08-23.

Conditions:
Brugada syndrome 4 (BRGDA4). Identifiers: Orphanet 130, MedGen C2678477, MONDO:0012743, OMIM 611876.
Cardiovascular phenotype. Identifiers: MedGen CN230736.

Submissions (2):

Labcorp Genetics (formerly Invitae), Labcorp
Classification: Uncertain significance for Brugada syndrome 4. Last evaluated: 2025-08-23. Review status: criteria provided, single submitter. Criteria: Invitae Variant Classification Sherloc (09022015). Collection method: clinical testing. Allele origin: germline.
Comment: This sequence change replaces isoleucine, which is neutral and non-polar, with threonine, which is neutral and polar, at codon 185 of the CACNB2 protein (p.Ile185Thr). This variant is present in population databases (rs767587764, gnomAD 0.006%). This variant has not been reported in the literature in individuals affected with CACNB2-related conditions. ClinVar contains an entry for this variant (Variation ID: 3262861). An algorithm developed to predict the effect of missense changes on protein structure and function (PolyPhen-2) suggests that this variant is likely to be tolerated. In summary, the available evidence is currently insufficient to determine the role of this variant in disease. Therefore, it has been classified as a Variant of Uncertain Significance.

Ambry Genetics
Classification: Uncertain significance for Cardiovascular phenotype. Last evaluated: 2024-03-20. Review status: criteria provided, single submitter. Criteria: Ambry Variant Classification Scheme 2023. Collection method: clinical testing. Allele origin: germline.